The following is an entry in ClinVar:

ClinVar aggregate classification (germline): Uncertain significance (1 of 4 stars; one submission).

Conditions:
Ataxia-telangiectasia syndrome (AT). Also called: LOUIS-BAR SYNDROME; Cerebello-oculocutaneous telangiectasia; Immunodeficiency with ataxia telangiectasia; Ataxia telangiectasia (A-T); Ataxia-telangiectasia, complementation group D; AT, COMPLEMENTATION GROUP C. Identifiers: Orphanet 100, MedGen C0004135, MONDO:0008840, OMIM 208900.

Submission:

Labcorp Genetics (formerly Invitae), Labcorp
Classification: Uncertain significance for Ataxia-telangiectasia syndrome. Last evaluated: 2024-11-12. Review status: criteria provided, single submitter. Criteria: Invitae Variant Classification Sherloc (09022015). Collection method: clinical testing. Allele origin: germline.
Comment: This sequence change falls in intron 48 of the ATM gene. It does not directly change the encoded amino acid sequence of the ATM protein. RNA analysis indicates that this variant induces altered splicing and may result in an absent or altered protein product. This variant is not present in population databases (gnomAD no frequency). This variant has not been reported in the literature in individuals affected with ATM-related conditions. ClinVar contains an entry for this variant (Variation ID: 2749117). Studies have shown that this variant results in skipping of part of exon 49, and produces a non-functional protein and/or introduces a premature termination codon (internal data). In summary, the available evidence is currently insufficient to determine the role of this variant in disease. Therefore, it has been classified as a Variant of Uncertain Significance.

NM_000051.4(ATM):c.7090-13T>A

Genes: ATM (ATM serine/threonine kinase; plus strand), C11orf65 (chromosome 11 open reading frame 65; minus strand). Cytogenetic location: 11q22.3.
Variant type: single nucleotide variant.
Coding change: c.7090-13T>A on transcript NM_000051.4 (MANE Select); 13 bases into the intron before coding-DNA position 7090, T replaced by A.
Molecular consequence: intron variant.
Genome position (GRCh38, 1-based): chr11:108,329,008, T>A. VCF-style: chr11-108329008-T-A. GRCh37 (hg19) VCF-style: chr11-108199735-T-A.
Other names: c.7090-13T>A (NM_001351834.2); c.641-19937A>T (NM_001330368.2); c.*38+6212A>T (NM_001351110.2).
Identifiers: ClinVar variation 2749117 (VCV002749117.3), dbSNP rs2136408993, ClinGen allele CA2697556946.